The following is an entry in ClinVar:

NM_025114.4(CEP290):c.6821T>A (p.Met2274Lys)

Gene: CEP290 (centrosomal protein 290; minus strand). Cytogenetic location: 12q21.32.
Variant type: single nucleotide variant.
Coding change: c.6821T>A on transcript NM_025114.4 (MANE Select); coding-DNA position 6821, T replaced by A.
Protein change: p.Met2274Lys; replaces methionine 2274 with lysine.
Molecular consequence: missense variant.
Genome position (GRCh38, 1-based): chr12:88,055,715, A>T on the plus strand (T>A on the coding strand, the complement: CEP290 is on the minus strand). VCF-style: chr12-88055715-A-T. GRCh37 (hg19) VCF-style: chr12-88449492-A-T.
Other names: short protein forms M2274K.
Identifiers: ClinVar variation 4984095 (VCV004984095.1).

ClinVar aggregate classification (germline): Uncertain significance (1 of 4 stars; one submission).

Conditions:
CEP290-related disorder. Also called: CEP290-related condition; CEP290-related disorders. Identifiers: MedGen CN239314.

Submission:

PreventionGenetics, part of Exact Sciences
Classification: Uncertain significance for CEP290-related condition. Last evaluated: 2026-09-09. Review status: criteria provided, single submitter. Criteria: ACMG Guidelines, 2015. Collection method: clinical testing. Allele origin: germline.
Comment: The CEP290 c.6821T>A variant is predicted to result in the amino acid substitution p.Met2274Lys. To our knowledge, this variant has not been reported in the literature or in a large population database (gnomAD), indicating this variant is rare. At this time, the clinical significance of this variant is uncertain due to the absence of conclusive functional and genetic evidence.